The following is an entry in ClinVar:

NM_006766.5(KAT6A):c.3869A>G (p.Gln1290Arg)

Gene: KAT6A (lysine acetyltransferase 6A; minus strand). Cytogenetic location: 8p11.21.
Variant type: single nucleotide variant.
Coding change: c.3869A>G on transcript NM_006766.5 (MANE Select); coding-DNA position 3869, A replaced by G.
Protein change: p.Gln1290Arg; replaces glutamine 1290 with arginine.
Molecular consequence: missense variant.
Genome position (GRCh38, 1-based): chr8:41,934,351, T>C on the plus strand (A>G on the coding strand, the complement: KAT6A is on the minus strand). VCF-style: chr8-41934351-T-C. GRCh37 (hg19) VCF-style: chr8-41791869-T-C.
Other names: short protein forms Q1290R.
Identifiers: ClinVar variation 4708500 (VCV004708500.1).

ClinVar aggregate classification (germline): Uncertain significance (1 of 4 stars; one submission).

Submission:

Labcorp Genetics (formerly Invitae), Labcorp
Classification: Uncertain significance. Last evaluated: 2025-08-19. Review status: criteria provided, single submitter. Criteria: Invitae Variant Classification Sherloc (09022015). Collection method: clinical testing. Allele origin: germline.
Comment: This sequence change replaces glutamine, which is neutral and polar, with arginine, which is basic and polar, at codon 1290 of the KAT6A protein (p.Gln1290Arg). This variant is not present in population databases (gnomAD no frequency). This variant has not been reported in the literature in individuals affected with KAT6A-related conditions. Invitae Evidence Modeling of protein sequence and biophysical properties (such as structural, functional, and spatial information, amino acid conservation, physicochemical variation, residue mobility, and thermodynamic stability) indicates that this missense variant is not expected to disrupt KAT6A protein function with a negative predictive value of 95%. In summary, the available evidence is currently insufficient to determine the role of this variant in disease. Therefore, it has been classified as a Variant of Uncertain Significance.